The following is an entry in ClinVar:

ClinVar aggregate classification (germline): Pathogenic (1 of 4 stars; one submission).

Submission:

Labcorp Genetics (formerly Invitae), Labcorp
Classification: Pathogenic. Last evaluated: 2024-07-08. Review status: criteria provided, single submitter. Criteria: Invitae Variant Classification Sherloc (09022015). Collection method: clinical testing. Allele origin: germline.
Comment: This sequence change creates a premature translational stop signal (p.Pro89Argfs*61) in the FOXL2 gene. While this is not anticipated to result in nonsense mediated decay, it is expected to disrupt the last 288 amino acid(s) of the FOXL2 protein. This variant is not present in population databases (gnomAD no frequency). This variant has not been reported in the literature in individuals affected with FOXL2-related conditions. This variant disrupts a region of the FOXL2 protein in which other variant(s) (p.His291Argfs*71) have been determined to be pathogenic (PMID: 11175783, 28849110, 31048069). This suggests that this is a clinically significant region of the protein, and that variants that disrupt it are likely to be disease-causing. For these reasons, this variant has been classified as Pathogenic.

Literature cited by the submitters: PubMed 11175783; PubMed 28849110; PubMed 31048069.

NM_023067.4(FOXL2):c.266del (p.Pro89fs)

Gene: FOXL2 (forkhead box L2; minus strand). Cytogenetic location: 3q22.3.
Variant type: Deletion.
Coding change: c.266del on transcript NM_023067.4 (MANE Select); coding-DNA position 266, one base deleted (C; older notation c.266delC).
Protein change: p.Pro89fs; shifts the reading frame from proline 89.
Molecular consequence: frameshift variant.
Genome position (GRCh38, 1-based): chr3:138,946,457, G deleted on the plus strand (C on the coding strand, the reverse complement: FOXL2 is on the minus strand); the first of 3 consecutive G bases (chr3:138,946,457-138,946,459); deleting any one gives the same sequence. VCF-style (leftmost placement, unchanged base first): chr3-138946456-CG-C. GRCh37 (hg19) VCF-style: chr3-138665298-CG-C.
Other names: short protein forms P89fs.
Identifiers: ClinVar variation 3659025 (VCV003659025.2).